The following is an entry in ClinVar:

NM_007118.4(TRIO):c.9037G>A (p.Asp3013Asn)

Gene: TRIO (trio Rho guanine nucleotide exchange factor; plus strand). Cytogenetic location: 5p15.2.
Variant type: single nucleotide variant.
Coding change: c.9037G>A on transcript NM_007118.4 (MANE Select); coding-DNA position 9037, G replaced by A.
Protein change: p.Asp3013Asn; replaces aspartic acid 3013 with asparagine.
Molecular consequence: missense variant. On other transcripts: non-coding transcript variant (1).
Genome position (GRCh38, 1-based): chr5:14,508,165, G>A. VCF-style: chr5-14508165-G-A. GRCh37 (hg19) VCF-style: chr5-14508274-G-A.
Other names: short protein forms D3013N.
Identifiers: ClinVar variation 871184 (VCV000871184.41), dbSNP rs928977803, ClinGen allele CA114017739.
Genomic context (GRCh38, chr5:14,508,165, plus strand): 5'-CTGGATGACAGTGTGGAAGAGACCTGCCTGAACATTTGCCGCTTAGACTTTAGCTTCCCA[G>A]ATGACTACTTTAAAGGAGTGAGCCAGAAGGCCAAGGAGTTCGTGTGCTTCCTCCTGCAGG-3'
Protein context (NP_009049.2, residues 3003-3023): NICRLDFSFP[Asp3013Asn]DYFKGVSQKA

ClinVar aggregate classification (germline): Likely benign (1 of 4 stars; one submission).

Allele frequency attached by ClinVar (database versions not stated): gnomAD exomes 0.00001 and 0.00002.
gnomAD v4.1: 35 of 1,614,154 alleles (0.0022%); highest among the groups gnomAD compares: Middle Eastern, 0.082%; no homozygotes.

Submission:

CeGaT Center for Human Genetics Tuebingen
Classification: Likely benign. Last evaluated: 2024-07-01. Review status: criteria provided, single submitter. Criteria: CeGaT Center For Human Genetics Tuebingen Variant Classification Criteria Version 2. Collection method: clinical testing. Allele origin: germline. Affected: yes. Observed: 4 variant alleles.
Comment: TRIO: BP4